The following is an entry in ClinVar:

ClinVar aggregate classification (germline): Uncertain significance (1 of 4 stars; one submission).

Allele frequency attached by ClinVar (database versions not stated): gnomAD exomes below 0.00001; gnomAD 0.00001.
gnomAD v4.1: 2 of 1,613,556 alleles (0.00012%); highest among the groups gnomAD compares: African/African-American, 0.0027%; no homozygotes.

Submission:

Labcorp Genetics (formerly Invitae), Labcorp
Classification: Uncertain significance. Last evaluated: 2023-05-10. Review status: criteria provided, single submitter. Criteria: Invitae Variant Classification Sherloc (09022015). Collection method: clinical testing. Allele origin: germline.
Comment: This sequence change replaces arginine, which is basic and polar, with serine, which is neutral and polar, at codon 292 of the MYLK3 protein (p.Arg292Ser). This variant is present in population databases (no rsID available, gnomAD 0.01%). This variant has not been reported in the literature in individuals affected with MYLK3-related conditions. ClinVar contains an entry for this variant (Variation ID: 2030327). An algorithm developed to predict the effect of missense changes on protein structure and function (PolyPhen-2) suggests that this variant is likely to be tolerated. In summary, the available evidence is currently insufficient to determine the role of this variant in disease. Therefore, it has been classified as a Variant of Uncertain Significance.

NM_182493.3(MYLK3):c.876G>T (p.Arg292Ser)

Gene: MYLK3 (myosin light chain kinase 3; minus strand). Cytogenetic location: 16q11.2.
Variant type: single nucleotide variant.
Coding change: c.876G>T on transcript NM_182493.3 (MANE Select); coding-DNA position 876, G replaced by T.
Protein change: p.Arg292Ser; replaces arginine 292 with serine.
Molecular consequence: missense variant. On other transcripts: intron variant (1).
Genome position (GRCh38, 1-based): chr16:46,737,836, C>A on the plus strand (G>T on the coding strand, the complement: MYLK3 is on the minus strand). VCF-style: chr16-46737836-C-A. GRCh37 (hg19) VCF-style: chr16-46771748-C-A.
Other names: c.-23+2221G>T (NM_001308301.1); short protein forms R292S.
Identifiers: ClinVar variation 2030327 (VCV002030327.4), dbSNP rs1278775467, ClinGen allele CA395794057.